The following is an entry in ClinVar:

NM_017617.5(NOTCH1):c.3262G>A (p.Gly1088Ser)

Gene: NOTCH1 (notch receptor 1; minus strand). Cytogenetic location: 9q34.3.
Variant type: single nucleotide variant.
Coding change: c.3262G>A on transcript NM_017617.5 (MANE Select); coding-DNA position 3262, G replaced by A.
Protein change: p.Gly1088Ser; replaces glycine 1088 with serine.
Molecular consequence: missense variant.
Genome position (GRCh38, 1-based): chr9:136,508,295, C>T on the plus strand (G>A on the coding strand, the complement: NOTCH1 is on the minus strand). VCF-style: chr9-136508295-C-T. GRCh37 (hg19) VCF-style: chr9-139402747-C-T.
Other names: short protein forms G1088S.
Identifiers: ClinVar variation 1104912 (VCV001104912.15), dbSNP rs531420022, ClinGen allele CA5341002.
Genomic context (GRCh38, chr9:136,508,295, plus strand): 5'-GTCGCTGCGCAGCCACCTCACAGGACACGCTGGGCACGTCGCAGTAAAGGCCGGTCCAGC[C>T]GCTGGGGCACTCGCAGCGGTACTGGGTGTGGGTCTGCCAGCATTTGCCGCCGTTCTTGCA-3'
Protein context (NP_060087.3, residues 1078-1098): HTQYRCECPS[Gly1088Ser]WTGLYCDVPS

ClinVar aggregate classification (germline): Conflicting classifications of pathogenicity. Review status: criteria provided, conflicting classifications (1 of 4 stars). 4 submissions from 4 submitters: Uncertain significance (2); Likely benign (2). Last evaluated 2025-03-10.

Conditions:
Familial thoracic aortic aneurysm and aortic dissection (TAAD). Also called: Thoracic aortic aneurysms and dissections. Identifiers: Orphanet 91387, MedGen C4707243, MONDO:0019625.
Adams-Oliver syndrome 5 (AOS5). Identifiers: Orphanet 974, MedGen C4014970, MONDO:0014459, OMIM 616028.

Allele frequency attached by ClinVar (database versions not stated): 1000 Genomes Project 30x 0.00016; 1000 Genomes Project 0.00020.
gnomAD v4.1: 116 of 1,612,976 alleles (0.0072%); highest among the groups gnomAD compares: South Asian, 0.085%; 2 homozygotes.

Submissions (4):

Labcorp Genetics (formerly Invitae), Labcorp
Classification: Likely benign for Adams-Oliver syndrome 5. Last evaluated: 2025-03-10. Review status: criteria provided, single submitter. Criteria: Invitae Variant Classification Sherloc (09022015). Collection method: clinical testing. Allele origin: germline.

GeneDx
Classification: Uncertain significance. Last evaluated: 2024-08-18. Review status: criteria provided, single submitter. Criteria: GeneDx Variant Classification Process June 2021. Collection method: clinical testing. Allele origin: germline. Affected: yes.
Comment: In silico analysis supports that this missense variant has a deleterious effect on protein structure/function; Identified in a patient with ischemic stroke in published literature (PMID: 36973604); This variant is associated with the following publications: (PMID: 36973604)

Ambry Genetics
Classification: Uncertain significance for Familial thoracic aortic aneurysm and aortic dissection. Last evaluated: 2024-02-06. Review status: criteria provided, single submitter. Criteria: Ambry Variant Classification Scheme 2023. Collection method: clinical testing. Allele origin: germline.
Comment: The p.G1088S variant (also known as c.3262G>A), located in coding exon 20 of the NOTCH1 gene, results from a G to A substitution at nucleotide position 3262. The glycine at codon 1088 is replaced by serine, an amino acid with similar properties. This amino acid position is well conserved in available vertebrate species. In addition, the in silico prediction for this alteration is inconclusive. Based on the available evidence, the clinical significance of this alteration remains unclear.

ARUP Laboratories, Molecular Genetics and Genomics, ARUP Laboratories
Classification: Likely benign. Last evaluated: 2023-11-10. Review status: criteria provided, single submitter. Criteria: ARUP Molecular Germline Variant Investigation Process 2024. Collection method: clinical testing. Allele origin: germline.